The following is an entry in ClinVar:

ClinVar aggregate classification (germline): Uncertain significance (1 of 4 stars; one submission).

Submission:

Labcorp Genetics (formerly Invitae), Labcorp
Classification: Uncertain significance. Last evaluated: 2025-07-30. Review status: criteria provided, single submitter. Criteria: Invitae Variant Classification Sherloc (09022015). Collection method: clinical testing. Allele origin: germline.
Comment: This sequence change replaces glycine, which is neutral and non-polar, with valine, which is neutral and non-polar, at codon 4073 of the FAT1 protein (p.Gly4073Val). This variant is not present in population databases (gnomAD no frequency). This variant has not been reported in the literature in individuals affected with FAT1-related conditions. An algorithm developed to predict the effect of missense changes on protein structure and function (PolyPhen-2) suggests that this variant is likely to be tolerated. In summary, the available evidence is currently insufficient to determine the role of this variant in disease. Therefore, it has been classified as a Variant of Uncertain Significance.

NM_005245.4(FAT1):c.12218G>T (p.Gly4073Val)

Gene: FAT1 (FAT atypical cadherin 1; minus strand). Cytogenetic location: 4q35.2.
Variant type: single nucleotide variant.
Coding change: c.12218G>T on transcript NM_005245.4 (MANE Select); coding-DNA position 12218, G replaced by T.
Protein change: p.Gly4073Val; replaces glycine 4073 with valine.
Molecular consequence: missense variant.
Genome position (GRCh38, 1-based): chr4:186,598,011, C>A on the plus strand (G>T on the coding strand, the complement: FAT1 is on the minus strand). VCF-style: chr4-186598011-C-A. GRCh37 (hg19) VCF-style: chr4-187519165-C-A.
Other names: c.12218G>T, p.Gly4073Val (NM_001440455.1, NM_001440456.1, NM_001440457.1); short protein forms G4073V.
Identifiers: ClinVar variation 4702389 (VCV004702389.1).